The following is an entry in ClinVar:

NM_005591.4(MRE11):c.991G>C (p.Ala331Pro)

Gene: MRE11 (MRE11 double strand break repair nuclease; minus strand). Cytogenetic location: 11q21.
Variant type: single nucleotide variant.
Coding change: c.991G>C on transcript NM_005591.4 (MANE Select); coding-DNA position 991, G replaced by C.
Protein change: p.Ala331Pro; replaces alanine 331 with proline.
Molecular consequence: missense variant.
Genome position (GRCh38, 1-based): chr11:94,470,497, C>G on the plus strand (G>C on the coding strand, the complement: MRE11 is on the minus strand). VCF-style: chr11-94470497-C-G. GRCh37 (hg19) VCF-style: chr11-94203663-C-G.
Other names: c.991G>C, p.Ala331Pro (NM_001330347.2, NM_005590.4); short protein forms A331P.
Identifiers: ClinVar variation 1799891 (VCV001799891.2), dbSNP rs2496482303, ClinGen allele CA382374238.

ClinVar aggregate classification (germline): Uncertain significance (1 of 4 stars; one submission).

Conditions:
Hereditary cancer-predisposing syndrome. Also called: Neoplastic Syndromes, Hereditary; Tumor predisposition; Hereditary Cancer Syndrome; Hereditary neoplastic syndrome. Identifiers: Orphanet 140162, MedGen C0027672, MeSH D009386, MONDO:0015356.

Submission:

Ambry Genetics
Classification: Uncertain significance for Hereditary cancer-predisposing syndrome. Last evaluated: 2021-04-15. Review status: criteria provided, single submitter. Criteria: Ambry Variant Classification Scheme 2023. Collection method: clinical testing. Allele origin: germline.
Comment: The p.A331P variant (also known as c.991G>C), located in coding exon 8 of the MRE11A gene, results from a G to C substitution at nucleotide position 991. The alanine at codon 331 is replaced by proline, an amino acid with highly similar properties. This amino acid position is not well conserved in available vertebrate species. In addition, this alteration is predicted to be tolerated by in silico analysis. Since supporting evidence is limited at this time, the clinical significance of this alteration remains unclear.